The following is an entry in ClinVar:

ClinVar aggregate classification (germline): Uncertain significance (1 of 4 stars; one submission).

Conditions:
Early-infantile DEE. Also called: Ohtahara syndrome; Early infantile epileptic encephalopathy; Early infantile epileptic encephalopathy with suppression bursts. Identifiers: Orphanet 1934, MedGen C0393706, MONDO:0800491.

Submission:

Labcorp Genetics (formerly Invitae), Labcorp
Classification: Uncertain significance for Early-infantile DEE. Last evaluated: 2021-08-15. Review status: criteria provided, single submitter. Criteria: Invitae Variant Classification Sherloc (09022015). Collection method: clinical testing. Allele origin: germline.
Comment: This sequence change replaces leucine with alanine at codon 277 of the ARHGEF15 protein (p.Leu277Ala). The leucine residue is weakly conserved and there is a moderate physicochemical difference between leucine and alanine. The frequency data for this variant in the population databases is not available, as this variant may be reported as separate entries in the ExAC database. This variant has not been reported in the literature in individuals affected with ARHGEF15-related conditions. Algorithms developed to predict the effect of missense changes on protein structure and function are either unavailable or do not agree on the potential impact of this missense change (SIFT: "Not Available"; PolyPhen-2: "Benign"; Align-GVGD: "Not Available"). Algorithms developed to predict the effect of sequence changes on RNA splicing suggest that this variant may create or strengthen a splice site. In summary, the available evidence is currently insufficient to determine the role of this variant in disease. Therefore, it has been classified as a Variant of Uncertain Significance.

NM_173728.4(ARHGEF15):c.829_830delinsGC (p.Leu277Ala)

Gene: ARHGEF15 (Rho guanine nucleotide exchange factor 15; plus strand). Cytogenetic location: 17p13.1.
Variant type: Indel.
Coding change: c.829_830delinsGC on transcript NM_173728.4 (MANE Select); coding-DNA positions 829 to 830, CT replaced by GC.
Protein change: p.Leu277Ala; replaces leucine 277 with alanine.
Molecular consequence: missense variant.
Genome position (GRCh38, 1-based): chr17:8,313,149-8,313,150, CT replaced by GC. VCF-style: chr17-8313149-CT-GC. GRCh37 (hg19) VCF-style: chr17-8216467-CT-GC.
Other names: c.829_830delinsGC, p.Leu277Ala (NM_025014.2); short protein forms L277A.
Identifiers: ClinVar variation 1382445 (VCV001382445.9), dbSNP rs2151636552, ClinGen allele CA2573154746.